The following is an entry in ClinVar:

ClinVar aggregate classification (germline): Uncertain significance. Review status: criteria provided, multiple submitters, no conflicts (2 of 4 stars). 3 submissions from 3 submitters: Uncertain significance (2). 1 of the submissions does not count toward it. Last evaluated 2025-11-10.

Conditions:
Microcephaly 17, primary, autosomal recessive (MCPH17). Identifiers: Orphanet 2512, MedGen C4310723, MONDO:0014908, OMIM 617090.

Allele frequency attached by ClinVar (database versions not stated): gnomAD exomes 0.00016; TOPMed 0.00024; ExAC 0.00026; ESP Exome Variant Server 0.00031; 1000 Genomes Project 30x 0.00062; 1000 Genomes Project 0.00080.
gnomAD v4.1: 119 of 1,613,974 alleles (0.0074%); highest among the groups gnomAD compares: African/African-American, 0.088%; no homozygotes.

Submissions (3):

Labcorp Genetics (formerly Invitae), Labcorp
Classification: Uncertain significance. Last evaluated: 2025-11-10. Review status: criteria provided, single submitter. Criteria: Invitae Variant Classification Sherloc (09022015). Collection method: clinical testing. Allele origin: germline.
Comment: This sequence change replaces threonine, which is neutral and polar, with methionine, which is neutral and non-polar, at codon 1802 of the CIT protein (p.Thr1802Met). This variant is present in population databases (rs180716474, gnomAD 0.1%). This variant has not been reported in the literature in individuals affected with CIT-related conditions. ClinVar contains an entry for this variant (Variation ID: 592099). An algorithm developed to predict the effect of missense changes on protein structure and function (PolyPhen-2) suggests that this variant is likely to be disruptive. In summary, the available evidence is currently insufficient to determine the role of this variant in disease. Therefore, it has been classified as a Variant of Uncertain Significance.

Blueprint Genetics
Classification: Uncertain significance. Last evaluated: 2024-07-24. Review status: criteria provided, single submitter. Criteria: ACMG Guidelines, 2015. Collection method: clinical testing. Allele origin: germline.

Biochemical Molecular Genetic Laboratory, King Abdulaziz Medical City
Classification: Uncertain significance for Microcephaly 17, primary, autosomal recessive. Last evaluated: 2018-05-09. Review status: no assertion criteria provided. Collection method: clinical testing. Allele origin: germline. Affected: yes. Not counted in ClinVar's aggregate classification.

NM_001206999.2(CIT):c.5405C>T (p.Thr1802Met)

Gene: CIT (citron rho-interacting serine/threonine kinase; minus strand). Cytogenetic location: 12q24.23.
Variant type: single nucleotide variant.
Coding change: c.5405C>T on transcript NM_001206999.2 (MANE Select); coding-DNA position 5405, C replaced by T.
Protein change: p.Thr1802Met; replaces threonine 1802 with methionine.
Molecular consequence: missense variant.
Genome position (GRCh38, 1-based): chr12:119,701,858, G>A on the plus strand (C>T on the coding strand, the complement: CIT is on the minus strand). VCF-style: chr12-119701858-G-A. GRCh37 (hg19) VCF-style: chr12-120139663-G-A.
Other names: c.5279C>T, p.Thr1760Met (NM_007174.3); short protein forms T1802M, T1760M.
Identifiers: ClinVar variation 592099 (VCV000592099.6), dbSNP rs180716474, ClinGen allele CA6820903.